The following is an entry in ClinVar:

ClinVar aggregate classification (germline): Uncertain significance (1 of 4 stars; one submission).

Submission:

GeneDx
Classification: Uncertain significance. Last evaluated: 2025-11-18. Review status: criteria provided, single submitter. Criteria: GeneDx Variant Classification Process June 2021. Collection method: clinical testing. Allele origin: germline.
Comment: Not observed at significant frequency in large population cohorts (gnomAD); In silico analysis supports that this missense variant has a deleterious effect on protein structure/function; Has not been previously published as pathogenic or benign to our knowledge

NM_001429.4(EP300):c.1931T>C (p.Leu644Pro)

Gene: EP300 (EP300 lysine acetyltransferase; plus strand). Cytogenetic location: 22q13.2.
Variant type: single nucleotide variant.
Coding change: c.1931T>C on transcript NM_001429.4 (MANE Select); coding-DNA position 1931, T replaced by C.
Protein change: p.Leu644Pro; replaces leucine 644 with proline.
Molecular consequence: missense variant.
Genome position (GRCh38, 1-based): chr22:41,141,100, T>C. VCF-style: chr22-41141100-T-C. GRCh37 (hg19) VCF-style: chr22-41537104-T-C.
Other names: c.1931T>C, p.Leu644Pro (NM_001362843.2); short protein forms L644P.
Identifiers: ClinVar variation 3776689 (VCV003776689.2).